The following is an entry in ClinVar:

NM_001365536.1(SCN9A):c.4021A>C (p.Asn1341His)

Genes: SCN1A-AS1 (SCN1A and SCN9A antisense RNA 1; plus strand), SCN9A (sodium voltage-gated channel alpha subunit 9; minus strand). Cytogenetic location: 2q24.3.
Variant type: single nucleotide variant.
Coding change: c.4021A>C on transcript NM_001365536.1 (MANE Select); coding-DNA position 4021, A replaced by C.
Protein change: p.Asn1341His; replaces asparagine 1341 with histidine.
Molecular consequence: missense variant.
Genome position (GRCh38, 1-based): chr2:166,228,876, T>G on the plus strand (A>C on the coding strand, the complement: SCN9A is on the minus strand). VCF-style: chr2-166228876-T-G. GRCh37 (hg19) VCF-style: chr2-167085386-T-G.
Other names: c.3988A>C, p.Asn1330His (NM_002977.4); short protein forms N1330H, N1341H.
Identifiers: ClinVar variation 471121 (VCV000471121.9), dbSNP rs777811075, ClinGen allele CA1943962.

ClinVar aggregate classification (germline): Uncertain significance (1 of 4 stars; one submission).

Conditions:
Neuropathy, hereditary sensory and autonomic, type 2A (HSAN2A). Also called: ACROOSTEOLYSIS, NEUROGENIC; ACROOSTEOLYSIS, GIACCAI TYPE; MORVAN DISEASE; NEUROPATHY, CONGENITAL SENSORY; NEUROPATHY, HEREDITARY SENSORY RADICULAR, AUTOSOMAL RECESSIVE; NEUROPATHY, HEREDITARY SENSORY, TYPE IIA. Identifiers: Orphanet 970, MedGen C2752089, MONDO:0024309, OMIM 201300.
Generalized epilepsy with febrile seizures plus, type 7 (GEFSP7). Also called: GEFS+, TYPE 7. Identifiers: Orphanet 36387, MedGen C2751778, MONDO:0013470, OMIM 613863.

Allele frequency attached by ClinVar (database versions not stated): gnomAD exomes below 0.00001 and 0.00001; ExAC 0.00002; gnomAD 0.00003 and 0.00004; TOPMed 0.00006.
gnomAD v4.1: 5 of 1,613,522 alleles (0.00031%); highest among the groups gnomAD compares: African/African-American, 0.0053%; no homozygotes.

Submission:

Labcorp Genetics (formerly Invitae), Labcorp
Classification: Uncertain significance for Neuropathy, hereditary sensory and autonomic, type 2A; Generalized epilepsy with febrile seizures plus, type 7. Last evaluated: 2025-12-28. Review status: criteria provided, single submitter. Criteria: Invitae Variant Classification Sherloc (09022015). Collection method: clinical testing. Allele origin: germline.
Comment: This sequence change replaces asparagine, which is neutral and polar, with histidine, which is basic and polar, at codon 1330 of the SCN9A protein (p.Asn1330His). This variant is present in population databases (rs777811075, gnomAD 0.007%). This variant has not been reported in the literature in individuals affected with SCN9A-related conditions. ClinVar contains an entry for this variant (Variation ID: 471121). Invitae Evidence Modeling of protein sequence and biophysical properties (such as structural, functional, and spatial information, amino acid conservation, physicochemical variation, residue mobility, and thermodynamic stability) indicates that this missense variant is not expected to disrupt SCN9A protein function with a negative predictive value of 95%. In summary, the available evidence is currently insufficient to determine the role of this variant in disease. Therefore, it has been classified as a Variant of Uncertain Significance.